The following is an entry in ClinVar:

ClinVar aggregate classification (germline): Pathogenic. Review status: criteria provided, multiple submitters, no conflicts (2 of 4 stars). 2 submissions from 2 submitters: Pathogenic (2). Last evaluated 2024-10-24.

Conditions:
Osteogenesis imperfecta type 8 (OI8). Identifiers: MedGen C1970458, MONDO:0012581, OMIM 610915.

Submissions (2):

Labcorp Genetics (formerly Invitae), Labcorp
Classification: Pathogenic for Osteogenesis imperfecta type 8. Last evaluated: 2024-10-24. Review status: criteria provided, single submitter. Criteria: Invitae Variant Classification Sherloc (09022015). Collection method: clinical testing. Allele origin: germline.
Comment: This sequence change creates a premature translational stop signal (p.Phe309Leufs*28) in the P3H1 gene. It is expected to result in an absent or disrupted protein product. Loss-of-function variants in P3H1 are known to be pathogenic (PMID: 17277775, 18566967, 19088120, 22281939). This variant is present in population databases (rs780416632, gnomAD 0.01%). This premature translational stop signal has been observed in individual(s) with osteogenesis imperfecta (PMID: 23613367). ClinVar contains an entry for this variant (Variation ID: 2431665). For these reasons, this variant has been classified as Pathogenic.

Laboratorio de Genetica e Diagnostico Molecular, Hospital Israelita Albert Einstein
Classification: Pathogenic for Osteogenesis imperfecta type 8. Last evaluated: 2022-08-31. Review status: criteria provided, single submitter. Criteria: ACMG Guidelines, 2015. Collection method: clinical testing. Allele origin: germline. Affected: yes. Observed: 1 variant allele.
Comment: ACMG classification criteria: PVS1 very strong, PS4 supporting, PM2 supporting, PM3 moderated, PP1 moderated

Literature cited by the submitters: PubMed 17277775 (cited by Labcorp Genetics (formerly Invitae), Labcorp); PubMed 18566967 (cited by Labcorp Genetics (formerly Invitae), Labcorp); PubMed 19088120 (cited by Labcorp Genetics (formerly Invitae), Labcorp); PubMed 22281939 (cited by Labcorp Genetics (formerly Invitae), Labcorp); PubMed 23613367 (cited by Labcorp Genetics (formerly Invitae), Labcorp).

NM_022356.4(P3H1):c.927del (p.Phe309fs)

Gene: P3H1 (prolyl 3-hydroxylase 1; minus strand). Cytogenetic location: 1p34.2.
Variant type: Deletion.
Coding change: c.927del on transcript NM_022356.4 (MANE Select); coding-DNA position 927, one base deleted (T; older notation c.927delT).
Protein change: p.Phe309fs; shifts the reading frame from phenylalanine 309.
Molecular consequence: frameshift variant.
Genome position (GRCh38, 1-based): chr1:42,758,865, A deleted on the plus strand (T on the coding strand, the reverse complement: P3H1 is on the minus strand); the first of 3 consecutive A bases (chr1:42,758,865-42,758,867); deleting any one gives the same sequence. VCF-style (leftmost placement, unchanged base first): chr1-42758864-CA-C. GRCh37 (hg19) VCF-style: chr1-43224535-CA-C.
Other names: c.927del, p.Phe309fs (NM_001146289.2, NM_001243246.2); short protein forms F309fs.
Identifiers: ClinVar variation 2431665 (VCV002431665.5), dbSNP rs780416632, ClinGen allele CA802034.
Genomic context (GRCh38, chr1:42,758,864, plus strand): 5'-AGCTTCTTAGTTAGCCAGCAGAGAAAGAGGAAGGAAAGTAGGCCTTACTGTTATAGTAGG[CA>C]AACTGCAGATAATTATAATGCGATGGGAGGAAGTCTTCAAAGGGCTTCTCTCGACTTGGG-3'